The following is an entry in ClinVar:

NM_000057.4(BLM):c.1619T>A (p.Ile540Lys)

Gene: BLM (BLM RecQ like helicase; plus strand). Cytogenetic location: 15q26.1.
Variant type: single nucleotide variant.
Coding change: c.1619T>A on transcript NM_000057.4 (MANE Select); coding-DNA position 1619, T replaced by A.
Protein change: p.Ile540Lys; replaces isoleucine 540 with lysine.
Molecular consequence: missense variant.
Genome position (GRCh38, 1-based): chr15:90,760,992, T>A. VCF-style: chr15-90760992-T-A. GRCh37 (hg19) VCF-style: chr15-91304222-T-A.
Other names: c.1619T>A, p.Ile540Lys (NM_001287246.2, NM_001287247.2); c.494T>A, p.Ile165Lys (NM_001287248.2); short protein forms I165K, I540K.
Identifiers: ClinVar variation 819684 (VCV000819684.14), dbSNP rs1596230232, ClinGen allele CA393843456.

ClinVar aggregate classification (germline): Uncertain significance. Review status: criteria provided, multiple submitters, no conflicts (2 of 4 stars). 2 submissions from 2 submitters: Uncertain significance (2). Last evaluated 2025-04-09.

Conditions:
Hereditary cancer-predisposing syndrome. Also called: Neoplastic Syndromes, Hereditary; Tumor predisposition; Hereditary Cancer Syndrome; Hereditary neoplastic syndrome. Identifiers: Orphanet 140162, MedGen C0027672, MeSH D009386, MONDO:0015356.
Bloom syndrome (BLM). Also called: Bloom-Torre-Machacek syndrome. Identifiers: Orphanet 125, MedGen C0005859, MONDO:0008876, OMIM 210900.

Submissions (2):

Ambry Genetics
Classification: Uncertain significance for Hereditary cancer-predisposing syndrome. Last evaluated: 2025-04-09. Review status: criteria provided, single submitter. Criteria: Ambry Variant Classification Scheme 2023. Collection method: clinical testing. Allele origin: germline.
Comment: The p.I540K variant (also known as c.1619T>A), located in coding exon 6 of the BLM gene, results from a T to A substitution at nucleotide position 1619. The isoleucine at codon 540 is replaced by lysine, an amino acid with dissimilar properties. This amino acid position is poorly conserved in available vertebrate species. In addition, this alteration is predicted to be tolerated by in silico analysis. Since supporting evidence is limited at this time, the clinical significance of this alteration remains unclear.

Labcorp Genetics (formerly Invitae), Labcorp
Classification: Uncertain significance for Bloom syndrome. Last evaluated: 2020-10-10. Review status: criteria provided, single submitter. Criteria: Invitae Variant Classification Sherloc (09022015). Collection method: clinical testing. Allele origin: germline.
Comment: In summary, the available evidence is currently insufficient to determine the role of this variant in disease. Therefore, it has been classified as a Variant of Uncertain Significance. Algorithms developed to predict the effect of missense changes on protein structure and function (SIFT, PolyPhen-2, Align-GVGD) all suggest that this variant is likely to be tolerated, but these predictions have not been confirmed by published functional studies and their clinical significance is uncertain. This variant has not been reported in the literature in individuals with BLM-related conditions. ClinVar contains an entry for this variant (Variation ID: 819684). This variant is not present in population databases (ExAC no frequency). This sequence change replaces isoleucine with lysine at codon 540 of the BLM protein (p.Ile540Lys). The isoleucine residue is weakly conserved and there is a moderate physicochemical difference between isoleucine and lysine.